The following is an entry in ClinVar:

NM_000368.5(TSC1):c.1874A>G (p.Glu625Gly)

Gene: TSC1 (TSC complex subunit 1; minus strand). Cytogenetic location: 9q34.13.
Variant type: single nucleotide variant.
Coding change: c.1874A>G on transcript NM_000368.5 (MANE Select); coding-DNA position 1874, A replaced by G.
Protein change: p.Glu625Gly; replaces glutamic acid 625 with glycine.
Molecular consequence: missense variant. On other transcripts: non-coding transcript variant (5).
Genome position (GRCh38, 1-based): chr9:132,905,704, T>C on the plus strand (A>G on the coding strand, the complement: TSC1 is on the minus strand). VCF-style: chr9-132905704-T-C. GRCh37 (hg19) VCF-style: chr9-135781091-T-C.
Other names: c.1508A>G, p.Glu503Gly (NM_001406621.1, NM_001406622.1, NM_001406623.1 and 2 more transcripts); c.1511A>G, p.Glu504Gly (NM_001406624.1, NM_001362177.2, NM_001406619.1 and 5 more transcripts); c.923A>G, p.Glu308Gly (NM_001406626.1); c.920A>G, p.Glu307Gly (NM_001406627.1, NM_001406628.1); c.821A>G, p.Glu274Gly (NM_001406629.1, NM_001406630.1); c.1871A>G, p.Glu624Gly (NM_001162426.2, NM_001406597.1, NM_001406598.1 and 6 more transcripts); c.1721A>G, p.Glu574Gly (NM_001162427.2, NM_001406610.1); c.1874A>G, p.Glu625Gly (NM_001406592.1, NM_001406593.1, NM_001406594.1 and 7 more transcripts); and 1 more; short protein forms E274G, E307G, E308G, E503G, E504G, E573G, E574G, E624G.
Identifiers: ClinVar variation 3072016 (VCV003072016.4), dbSNP rs886038287, ClinGen allele CA375363010.
Genomic context (GRCh38, chr9:132,905,704, plus strand): 5'-GGGGAGGTAGAGGGCACACCATCTTCCTCTGTGTTTCCTTTTGCTTTCTTTAACAGCTCC[T>C]CAGTCTTCCTGATGACAAAATGATGGGCTGTCTTTGGCAATGCCACCTCAAAAAGATGAT-3'
Protein context (NP_000359.1, residues 615-635): TAHHFVIRKT[Glu625Gly]ELLKKAKGNT

ClinVar aggregate classification (germline): Uncertain significance. Review status: criteria provided, multiple submitters, no conflicts (2 of 4 stars). 3 submissions from 3 submitters: Uncertain significance (3). Last evaluated 2025-04-06.

Conditions:
Hereditary cancer-predisposing syndrome. Also called: Hereditary neoplastic syndrome; Neoplastic Syndromes, Hereditary; Tumor predisposition; Hereditary Cancer Syndrome. Identifiers: Orphanet 140162, MedGen C0027672, MeSH D009386, MONDO:0015356.
Tuberous sclerosis syndrome (TSC). Also called: Tuberous Sclerosis Complex; Tuberous sclerosis. Identifiers: Orphanet 805, MedGen C0041341, MONDO:0001734.
Tuberous sclerosis 1 (TSC1). Identifiers: Orphanet 805, MedGen C1854465, MONDO:0008612, OMIM 191100.

Submissions (3):

Ambry Genetics
Classification: Uncertain significance for Hereditary cancer-predisposing syndrome. Last evaluated: 2025-04-06. Review status: criteria provided, single submitter. Criteria: Ambry Variant Classification Scheme 2023. Collection method: clinical testing. Allele origin: germline.
Comment: The p.E625G variant (also known as c.1874A>G), located in coding exon 13 of the TSC1 gene, results from an A to G substitution at nucleotide position 1874. The glutamic acid at codon 625 is replaced by glycine, an amino acid with similar properties. This amino acid position is conserved. In addition, this alteration is predicted to be tolerated by in silico analysis. Based on the available evidence, the clinical significance of this variant remains unclear.

Labcorp Genetics (formerly Invitae), Labcorp
Classification: Uncertain significance for Tuberous sclerosis 1. Last evaluated: 2024-07-22. Review status: criteria provided, single submitter. Criteria: Invitae Variant Classification Sherloc (09022015). Collection method: clinical testing. Allele origin: germline.
Comment: This sequence change replaces glutamic acid, which is acidic and polar, with glycine, which is neutral and non-polar, at codon 625 of the TSC1 protein (p.Glu625Gly). This variant is not present in population databases (gnomAD no frequency). This variant has not been reported in the literature in individuals affected with TSC1-related conditions. Advanced modeling of protein sequence and biophysical properties (such as structural, functional, and spatial information, amino acid conservation, physicochemical variation, residue mobility, and thermodynamic stability) performed at Invitae indicates that this missense variant is not expected to disrupt TSC1 protein function with a negative predictive value of 95%. In summary, the available evidence is currently insufficient to determine the role of this variant in disease. Therefore, it has been classified as a Variant of Uncertain Significance.

All of Us Research Program, National Institutes of Health
Classification: Uncertain significance for Tuberous sclerosis syndrome. Last evaluated: 2023-06-26. Review status: criteria provided, single submitter. Criteria: ACMG Guidelines, 2015. Collection method: clinical testing. Allele origin: germline. Inheritance: Autosomal dominant inheritance. Observed: 1 variant allele, 1 heterozygote.
Comment: This missense variant replaces glutamic acid with glycine at codon 625 of the TSC1 protein. Computational prediction suggests that this variant may not impact protein structure and function (internally defined REVEL score threshold <= 0.5, PMID: 27666373). To our knowledge, functional studies have not been reported for this variant. This variant has not been reported in individuals affected with TSC1-related disorders in the literature. This variant has not been identified in the general population by the Genome Aggregation Database (gnomAD). The available evidence is insufficient to determine the role of this variant in disease conclusively. Therefore, this variant is classified as a Variant of Uncertain Significance.

This study involves interpretation of variants in research participants for the purpose of population health screening. Participant phenotype was not available at the time of variant classification. Additional details can be found in publication PMID: 35346344, PMCID: PMC8962531